The following is an entry in ClinVar:

ClinVar aggregate classification (germline): Uncertain significance. Review status: criteria provided, multiple submitters, no conflicts (2 of 4 stars). 2 submissions from 2 submitters: Uncertain significance (2). Last evaluated 2025-06-12.

Conditions:
Inborn genetic diseases. Identifiers: MedGen C0950123, MeSH D030342.

gnomAD v4.1: 9 of 1,614,150 alleles (0.00056%); highest among the groups gnomAD compares: Admixed American, 0.0067%; no homozygotes.

Submissions (2):

Labcorp Genetics (formerly Invitae), Labcorp
Classification: Uncertain significance. Last evaluated: 2025-06-12. Review status: criteria provided, single submitter. Criteria: Invitae Variant Classification Sherloc (09022015). Collection method: clinical testing. Allele origin: germline.
Comment: This sequence change replaces threonine, which is neutral and polar, with isoleucine, which is neutral and non-polar, at codon 1440 of the COL4A3 protein (p.Thr1440Ile). This variant is present in population databases (rs752734671, gnomAD 0.01%). This variant has not been reported in the literature in individuals affected with COL4A3-related conditions. ClinVar contains an entry for this variant (Variation ID: 3495493). Invitae Evidence Modeling of protein sequence and biophysical properties (such as structural, functional, and spatial information, amino acid conservation, physicochemical variation, residue mobility, and thermodynamic stability) indicates that this missense variant is not expected to disrupt COL4A3 protein function with a negative predictive value of 95%. In summary, the available evidence is currently insufficient to determine the role of this variant in disease. Therefore, it has been classified as a Variant of Uncertain Significance.

Ambry Genetics
Classification: Uncertain significance for Inborn genetic diseases. Last evaluated: 2024-12-02. Review status: criteria provided, single submitter. Criteria: Ambry Variant Classification Scheme 2023. Collection method: clinical testing. Allele origin: germline.

NM_000091.5(COL4A3):c.4319C>T (p.Thr1440Ile)

Genes: COL4A3 (collagen type IV alpha 3 chain; plus strand), MFF-DT (MFF divergent transcript; minus strand). Cytogenetic location: 2q36.3.
Variant type: single nucleotide variant.
Coding change: c.4319C>T on transcript NM_000091.5 (MANE Select); coding-DNA position 4319, C replaced by T.
Protein change: p.Thr1440Ile; replaces threonine 1440 with isoleucine.
Molecular consequence: missense variant.
Genome position (GRCh38, 1-based): chr2:227,307,776, C>T. VCF-style: chr2-227307776-C-T. GRCh37 (hg19) VCF-style: chr2-228172492-C-T.
Other names: short protein forms T1440I.
Identifiers: ClinVar variation 3495493 (VCV003495493.3).